The following is an entry in ClinVar:

ClinVar aggregate classification (germline): Uncertain significance (1 of 4 stars; one submission).

Conditions:
Brugada syndrome 4 (BRGDA4). Identifiers: Orphanet 130, MedGen C2678477, MONDO:0012743, OMIM 611876.

Allele frequency attached by ClinVar (database versions not stated): gnomAD exomes below 0.00001.
gnomAD v4.1: 1 of 1,591,104 alleles (0.000063%); highest among the groups gnomAD compares: Non-Finnish European, 0.000086%; no homozygotes.

Submission:

Labcorp Genetics (formerly Invitae), Labcorp
Classification: Uncertain significance for Brugada syndrome 4. Last evaluated: 2022-11-09. Review status: criteria provided, single submitter. Criteria: Invitae Variant Classification Sherloc (09022015). Collection method: clinical testing. Allele origin: germline.
Comment: This variant has not been reported in the literature in individuals affected with CACNB2-related conditions. In summary, the available evidence is currently insufficient to determine the role of this variant in disease. Therefore, it has been classified as a Variant of Uncertain Significance. Variants that disrupt the consensus splice site are a relatively common cause of aberrant splicing (PMID: 17576681, 9536098). Algorithms developed to predict the effect of sequence changes on RNA splicing suggest that this variant is not likely to affect RNA splicing. This variant is not present in population databases (gnomAD no frequency). This sequence change falls in intron 7 of the CACNB2 gene. It does not directly change the encoded amino acid sequence of the CACNB2 protein. It affects a nucleotide within the consensus splice site.

Literature cited by the submitters: PubMed 17576681; PubMed 9536098.

NM_201596.3(CACNB2):c.885+3G>A

Gene: CACNB2 (calcium voltage-gated channel auxiliary subunit beta 2; plus strand). Cytogenetic location: 10p12.31.
Variant type: single nucleotide variant.
Coding change: c.885+3G>A on transcript NM_201596.3 (MANE Select); 3 bases into the intron after coding-DNA position 885, G replaced by A.
Molecular consequence: intron variant.
Genome position (GRCh38, 1-based): chr10:18,518,419, G>A. VCF-style: chr10-18518419-G-A. GRCh37 (hg19) VCF-style: chr10-18807348-G-A.
Other names: c.801+3G>A (NM_201571.4); c.687+3G>A (NM_001167945.2); c.729+3G>A (NM_201572.4); c.771+3G>A (NM_201593.3); c.813+3G>A (NM_201597.3); c.720+3G>A (NM_000724.4); c.606+3G>A (NM_001330060.2); c.723+3G>A (NM_201590.3); and 2 more.
Identifiers: ClinVar variation 2910663 (VCV002910663.3), dbSNP rs2051493593, ClinGen allele CA1894179962.